The following is an entry in ClinVar:

ClinVar aggregate classification (germline): Likely benign (1 of 4 stars; one submission).

Conditions:
DICER1-related tumor predisposition. Also called: DICER1-related pleuropulmonary blastoma cancer predisposition syndrome; DICER1 syndrome. Identifiers: Orphanet 284343, MedGen C3839822, MONDO:0100216.

Submission:

Myriad Genetics, Inc.
Classification: Likely benign for DICER1-related tumor predisposition. Last evaluated: 2026-04-13. Review status: criteria provided, single submitter. Criteria: Myriad Autosomal Dominant, Autosomal Recessive and X-Linked Classification Criteria (2023). Collection method: clinical testing. Allele origin: unknown.
Comment: This variant is considered likely benign. This variant is intronic and is not expected to impact mRNA splicing.

NM_177438.3(DICER1):c.2987+8G>C

Gene: DICER1 (dicer 1, ribonuclease III; minus strand). Cytogenetic location: 14q32.13.
Variant type: single nucleotide variant.
Coding change: c.2987+8G>C on transcript NM_177438.3 (MANE Select); 8 bases into the intron after coding-DNA position 2987, G replaced by C.
Molecular consequence: intron variant. On other transcripts: non-coding transcript variant (1).
Genome position (GRCh38, 1-based): chr14:95,106,033, C>G on the plus strand (G>C on the coding strand, the complement: DICER1 is on the minus strand). VCF-style: chr14-95106033-C-G. GRCh37 (hg19) VCF-style: chr14-95572370-C-G.
Other names: c.2987+8G>C (NM_001395695.1, NM_001395692.1, NM_001291628.2 and 12 more transcripts); c.2582+8G>C (NM_001395690.1, NM_001395687.1, NM_001395689.1 and 2 more transcripts); c.2705+8G>C (NM_001395686.1); c.2420+8G>C (NM_001395691.1); c.1304+8G>C (NM_001395697.1).
Identifiers: ClinVar variation 4875858 (VCV004875858.1).